The following is an entry in ClinVar:

NC_000004.11:g.(?_151504182)_(151604889_?)del

Genes: LRBA (LPS responsive beige-like anchor protein; minus strand), MAB21L2 (mab-21 like 2; plus strand). Cytogenetic location: 4q31.3.
Variant type: Deletion.
Identifiers: ClinVar variation 3246679 (VCV003246679.1).

ClinVar aggregate classification (germline): Uncertain significance (1 of 4 stars; one submission).

Conditions:
Combined immunodeficiency due to LRBA deficiency. Also called: Common variable immunodeficiency 8, with autoimmunity. Identifiers: Orphanet 445018, MedGen C3553512, MONDO:0013863, OMIM 614700.

Submission:

Labcorp Genetics (formerly Invitae), Labcorp
Classification: Uncertain significance for Combined immunodeficiency due to LRBA deficiency. Last evaluated: 2023-05-29. Review status: criteria provided, single submitter. Criteria: Invitae Variant Classification Sherloc (09022015). Collection method: clinical testing. Allele origin: unknown.
Comment: In summary, the available evidence is currently insufficient to determine the role of this variant in disease. Therefore, it has been classified as a Variant of Uncertain Significance. This variant has not been reported in the literature in individuals affected with LRBA-related conditions. This variant is a gross deletion of the genomic region encompassing exon(s) 37-41 of the LRBA gene. This variant would be expected to be in-frame, preserving the integrity of the reading frame.